The following is an entry in ClinVar:

ClinVar aggregate classification (germline): Likely benign. Review status: criteria provided, multiple submitters, no conflicts (2 of 4 stars). 3 submissions from 3 submitters: Likely benign (3). Last evaluated 2026-03-01.

Conditions:
Developmental and epileptic encephalopathy, 8 (DEE8). Also called: HYPEREKPLEXIA AND EPILEPSY. Identifiers: Orphanet 163985, Orphanet 2076, MedGen C1845102, MONDO:0010375, OMIM 300607.

Allele frequency attached by ClinVar (database versions not stated): gnomAD exomes below 0.00001 and 0.00003; gnomAD 0.00001; ExAC 0.00002; TOPMed 0.00003.
gnomAD v4.1: 7 of 1,194,971 alleles (0.00059%); highest among the groups gnomAD compares: East Asian, 0.009%; no homozygotes.

Submissions (3):

CeGaT Center for Human Genetics Tuebingen
Classification: Likely benign. Last evaluated: 2026-03-01. Review status: criteria provided, single submitter. Criteria: CeGaT Center For Human Genetics Tuebingen Variant Classification Criteria Version 2. Collection method: clinical testing. Allele origin: germline. Affected: yes. Observed: 1 variant allele.
Comment: ARHGEF9: BP4, BP7, BS2

Labcorp Genetics (formerly Invitae), Labcorp
Classification: Likely benign for Developmental and epileptic encephalopathy, 8. Last evaluated: 2025-03-05. Review status: criteria provided, single submitter. Criteria: Invitae Variant Classification Sherloc (09022015). Collection method: clinical testing. Allele origin: germline.

Blueprint Genetics
Classification: Likely benign. Last evaluated: 2020-11-20. Review status: criteria provided, single submitter. Criteria: ACMG Guidelines, 2015. Collection method: clinical testing. Allele origin: germline.

NM_001353921.2(ARHGEF9):c.1434G>A (p.Pro478=)

Gene: ARHGEF9 (Cdc42 guanine nucleotide exchange factor 9; minus strand). Cytogenetic location: Xq11.1.
Variant type: single nucleotide variant.
Coding change: c.1434G>A on transcript NM_001353921.2 (MANE Select); coding-DNA position 1434, G replaced by A.
Protein change: p.Pro478=; no amino-acid change (proline 478 retained).
Molecular consequence: synonymous variant. On other transcripts: 3 prime UTR variant (2).
Genome position (GRCh38, 1-based): chrX:63,638,166, C>T on the plus strand (G>A on the coding strand, the complement: ARHGEF9 is on the minus strand). VCF-style: chrX-63638166-C-T. GRCh37 (hg19) VCF-style: chrX-62858046-C-T.
Other names: c.1254G>A, p.Pro418= (NM_001173479.2); c.1107G>A, p.Pro369= (NM_001173480.2, NM_001369042.1); c.1350G>A, p.Pro450= (NM_001330495.2, NM_001369033.1, NM_001369034.1 and 4 more transcripts); c.1302G>A, p.Pro434= (NM_001353922.2); c.1452G>A, p.Pro484= (NM_001353923.1); c.1233G>A, p.Pro411= (NM_001353924.2, NM_001353926.2, NM_001369039.1 and 1 more transcripts); c.1218G>A, p.Pro406= (NM_001353927.2, NM_001369041.1); c.1281G>A, p.Pro427= (NM_001353928.2); and 3 more.
Identifiers: ClinVar variation 1565218 (VCV001565218.13), dbSNP rs782705959, ClinGen allele CA10431810.